The following is an entry in ClinVar:

NM_020921.4(NIN):c.4328A>C (p.Lys1443Thr)

Gene: NIN (ninein; minus strand). Cytogenetic location: 14q22.1.
Variant type: single nucleotide variant.
Coding change: c.4328A>C on transcript NM_020921.4 (MANE Select); coding-DNA position 4328, A replaced by C.
Protein change: p.Lys1443Thr; replaces lysine 1443 with threonine.
Molecular consequence: missense variant. On other transcripts: intron variant (1).
Genome position (GRCh38, 1-based): chr14:50,756,702, T>G on the plus strand (A>C on the coding strand, the complement: NIN is on the minus strand). VCF-style: chr14-50756702-T-G. GRCh37 (hg19) VCF-style: chr14-51223420-T-G.
Other names: c.4328A>C, p.Lys1443Thr (NM_182944.3, NM_182946.2); c.2400-1835A>C (NM_016350.5); short protein forms K1443T.
Identifiers: ClinVar variation 3689320 (VCV003689320.2).

ClinVar aggregate classification (germline): Uncertain significance (1 of 4 stars; one submission).

gnomAD v4.1: 5 of 1,551,730 alleles (0.00032%); highest among the groups gnomAD compares: Non-Finnish European, 0.00044%; no homozygotes.

Submission:

Labcorp Genetics (formerly Invitae), Labcorp
Classification: Uncertain significance. Last evaluated: 2024-09-18. Review status: criteria provided, single submitter. Criteria: Invitae Variant Classification Sherloc (09022015). Collection method: clinical testing. Allele origin: germline.
Comment: This sequence change replaces lysine, which is basic and polar, with threonine, which is neutral and polar, at codon 1443 of the NIN protein (p.Lys1443Thr). This variant is not present in population databases (gnomAD no frequency). This variant has not been reported in the literature in individuals affected with NIN-related conditions. An algorithm developed to predict the effect of missense changes on protein structure and function outputs the following: PolyPhen-2: "Benign". The threonine amino acid residue is found in multiple mammalian species, which suggests that this missense change does not adversely affect protein function. In summary, the available evidence is currently insufficient to determine the role of this variant in disease. Therefore, it has been classified as a Variant of Uncertain Significance.